The following is an entry in ClinVar:

ClinVar aggregate classification (germline): Likely benign. Review status: criteria provided, single submitter (1 of 4 stars). 2 submissions from 2 submitters: Likely benign (1). 1 of the submissions does not count toward it. Last evaluated 2025-04-01.

Conditions:
BCORL1-related disorder. Also called: BCORL1-related condition.

Allele frequency attached by ClinVar (database versions not stated): gnomAD 0.00003; TOPMed 0.00004; gnomAD exomes 0.00007; ExAC 0.00016; ESP Exome Variant Server 0.00019.
gnomAD v4.1: 77 of 1,210,895 alleles (0.0064%); highest among the groups gnomAD compares: South Asian, 0.065%; no homozygotes.

Submissions (3):

CeGaT Center for Human Genetics Tuebingen
Classification: Likely benign. Last evaluated: 2025-04-01. Review status: criteria provided, single submitter. Criteria: CeGaT Center For Human Genetics Tuebingen Variant Classification Criteria Version 2. Collection method: clinical testing. Allele origin: germline. Affected: yes. Observed: 1 variant allele.
Comment: BCORL1: BS2

PreventionGenetics, part of Exact Sciences
Classification: Likely benign for BCORL1-related condition. Last evaluated: 2021-05-02. Review status: no assertion criteria provided. Collection method: clinical testing. Allele origin: germline. Not counted in ClinVar's aggregate classification.
Comment: This variant is classified as likely benign based on ACMG/AMP sequence variant interpretation guidelines (Richards et al. 2015 PMID: 25741868, with internal and published modifications).

Dr. Peter K. Rogan Lab, Western University
No classification provided (evidence only). Condition: Thyroid cancer, nonmedullary, 1. Review status: no classification provided. Collection method: in vitro. Allele origin: not applicable. Functional consequence: retained intron. Not counted in ClinVar's aggregate classification.

NM_001379451.1(BCORL1):c.2759A>G (p.Asn920Ser)

Gene: BCORL1 (BCL6 corepressor like 1; plus strand). Cytogenetic location: Xq26.1.
Variant type: single nucleotide variant.
Coding change: c.2759A>G on transcript NM_001379451.1 (MANE Select); coding-DNA position 2759, A replaced by G.
Protein change: p.Asn920Ser; replaces asparagine 920 with serine.
Molecular consequence: missense variant.
Genome position (GRCh38, 1-based): chrX:130,015,531, A>G. VCF-style: chrX-130015531-A-G. GRCh37 (hg19) VCF-style: chrX-129149507-A-G.
Other names: NC_000023.10:g.129149507A>G; c.2759A>G, p.Asn920Ser (NM_001184772.3, NM_001379450.1, NM_021946.5); short protein forms N920S.
Identifiers: ClinVar variation 3030054 (VCV003030054.10), dbSNP rs376491937, ClinGen allele CA10514405.